The following is an entry in ClinVar:

NM_000256.3(MYBPC3):c.1273C>T (p.Gln425Ter)

Gene: MYBPC3 (myosin binding protein C3; minus strand). Cytogenetic location: 11p11.2.
Variant type: single nucleotide variant.
Coding change: c.1273C>T on transcript NM_000256.3 (MANE Select); coding-DNA position 1273, C replaced by T.
Protein change: p.Gln425Ter; replaces glutamine 425 with a stop codon.
Molecular consequence: nonsense.
Genome position (GRCh38, 1-based): chr11:47,343,099, G>A on the plus strand (C>T on the coding strand, the complement: MYBPC3 is on the minus strand). VCF-style: chr11-47343099-G-A. GRCh37 (hg19) VCF-style: chr11-47364650-G-A.
Other names: short protein forms Q425*.
Identifiers: ClinVar variation 42517 (VCV000042517.13), dbSNP rs397515895, ClinGen allele CA010005.

ClinVar aggregate classification (germline): Pathogenic. Review status: criteria provided, multiple submitters, no conflicts (2 of 4 stars). 3 submissions from 3 submitters: Pathogenic (3). Last evaluated 2025-02-16.

Conditions:
Hypertrophic cardiomyopathy. Also called: HYPERTROPHIC MYOCARDIOPATHY. Identifiers: Orphanet 217569, MedGen C0007194, MeSH D002312, MONDO:0005045, HP:0001639.

Submissions (3):

Laboratory of Genetics, Children's Clinical University Hospital Latvia
Classification: Pathogenic. Last evaluated: 2025-02-16. Review status: criteria provided, single submitter. Criteria: ACMG Guidelines, 2015. Collection method: clinical testing. Allele origin: germline. Affected: yes.

Labcorp Genetics (formerly Invitae), Labcorp
Classification: Pathogenic for Hypertrophic cardiomyopathy. Last evaluated: 2024-09-17. Review status: criteria provided, single submitter. Criteria: Invitae Variant Classification Sherloc (09022015). Collection method: clinical testing. Allele origin: germline.
Comment: This sequence change creates a premature translational stop signal (p.Gln425*) in the MYBPC3 gene. It is expected to result in an absent or disrupted protein product. Loss-of-function variants in MYBPC3 are known to be pathogenic (PMID: 19574547). This variant is not present in population databases (gnomAD no frequency). This premature translational stop signal has been observed in individuals with hypertrophic cardiomyopathy (PMID: 11815426, 18803133, 27532257). ClinVar contains an entry for this variant (Variation ID: 42517). For these reasons, this variant has been classified as Pathogenic.

Laboratory for Molecular Medicine, Mass General Brigham Personalized Medicine
Classification: Pathogenic for Hypertrophic cardiomyopathy. Last evaluated: 2012-11-30. Review status: criteria provided, single submitter. Criteria: LMM Criteria. Collection method: clinical testing. Allele origin: germline. Inheritance: Autosomal dominant inheritance. Observed: 2 variant alleles.
Comment: Th is variant has not been identified in large and broad European American and Afri can American populations by the NHLBI Exome Sequencing Project though it remains possible that this variant is common in othe r populations. This variant leads to a premature termination codon at position 4 25, which is predicted to lead to a truncated or absent protein. Heterozygous lo ss-of-function of the MYBPC3 gene is an established disease mechanism in HCM. In summary, this variant meets our criteria to be classified as pathogenic based on low frequency and the severity of the variant.

Literature cited by the submitters: PubMed 19574547 (cited by Labcorp Genetics (formerly Invitae), Labcorp); PubMed 11815426 (cited by Labcorp Genetics (formerly Invitae), Labcorp and Laboratory for Molecular Medicine, Mass General Brigham Personalized Medicine); PubMed 18803133 (cited by Labcorp Genetics (formerly Invitae), Labcorp and Laboratory for Molecular Medicine, Mass General Brigham Personalized Medicine); PubMed 27532257 (cited by Labcorp Genetics (formerly Invitae), Labcorp).